The following is an entry in ClinVar:

NM_003620.4(PPM1D):c.268C>G (p.Arg90Gly)

Gene: PPM1D (protein phosphatase, Mg2+/Mn2+ dependent 1D; plus strand). Cytogenetic location: 17q23.2.
Variant type: single nucleotide variant.
Coding change: c.268C>G on transcript NM_003620.4 (MANE Select); coding-DNA position 268, C replaced by G.
Protein change: p.Arg90Gly; replaces arginine 90 with glycine.
Molecular consequence: missense variant.
Genome position (GRCh38, 1-based): chr17:60,600,682, C>G. VCF-style: chr17-60600682-C-G. GRCh37 (hg19) VCF-style: chr17-58678043-C-G.
Other names: short protein forms R90G.
Identifiers: ClinVar variation 2807093 (VCV002807093.3), dbSNP rs1456766576, ClinGen allele CA400454348.

ClinVar aggregate classification (germline): Uncertain significance (1 of 4 stars; one submission).

Submission:

Labcorp Genetics (formerly Invitae), Labcorp
Classification: Uncertain significance. Last evaluated: 2023-02-27. Review status: criteria provided, single submitter. Criteria: Invitae Variant Classification Sherloc (09022015). Collection method: clinical testing. Allele origin: germline.
Comment: In summary, the available evidence is currently insufficient to determine the role of this variant in disease. Therefore, it has been classified as a Variant of Uncertain Significance. An algorithm developed to predict the effect of missense changes on protein structure and function (PolyPhen-2) suggests that this variant is likely to be tolerated. This variant has not been reported in the literature in individuals affected with PPM1D-related conditions. This variant is not present in population databases (gnomAD no frequency). This sequence change replaces arginine, which is basic and polar, with glycine, which is neutral and non-polar, at codon 90 of the PPM1D protein (p.Arg90Gly).